The following is an entry in ClinVar:

ClinVar aggregate classification (germline): Benign/Likely benign. Review status: criteria provided, multiple submitters, no conflicts (2 of 4 stars). 4 submissions from 4 submitters: Benign (1); Likely benign (3). Last evaluated 2025-12-03.

Conditions:
Cortical dysplasia-focal epilepsy syndrome (PTHSL1). Also called: Pitt-Hopkins-like syndrome 1. Identifiers: Orphanet 163681, Orphanet 221150, MedGen C2750246, MONDO:0012400, OMIM 610042.

Allele frequency attached by ClinVar (database versions not stated): gnomAD 0.00001 and 0.00003; TOPMed 0.00001; 1000 Genomes Project 30x 0.00016; 1000 Genomes Project 0.00020.
gnomAD v4.1: 140 of 1,613,574 alleles (0.0087%); highest among the groups gnomAD compares: South Asian, 0.14%; 3 homozygotes.

Submissions (4):

Women's Health and Genetics/Laboratory Corporation of America, LabCorp
Classification: Likely benign. Last evaluated: 2025-12-03. Review status: criteria provided, single submitter. Criteria: LabCorp Variant Classification Summary - May 2015. Collection method: clinical testing. Allele origin: germline.

Labcorp Genetics (formerly Invitae), Labcorp
Classification: Benign for Cortical dysplasia-focal epilepsy syndrome. Last evaluated: 2025-08-15. Review status: criteria provided, single submitter. Criteria: Invitae Variant Classification Sherloc (09022015). Collection method: clinical testing. Allele origin: germline.

Blueprint Genetics
Classification: Likely benign. Last evaluated: 2023-07-21. Review status: criteria provided, single submitter. Criteria: ACMG Guidelines, 2015. Collection method: clinical testing. Allele origin: germline.

GeneDx
Classification: Likely benign. Last evaluated: 2016-08-12. Review status: criteria provided, single submitter. Criteria: GeneDx Variant Classification (06012015). Collection method: clinical testing. Allele origin: germline. Affected: yes.
Comment: This variant is considered likely benign or benign based on one or more of the following criteria: it is a conservative change, it occurs at a poorly conserved position in the protein, it is predicted to be benign by multiple in silico algorithms, and/or has population frequency not consistent with disease.

NM_014141.6(CNTNAP2):c.402+13C>A

Gene: CNTNAP2 (contactin associated protein 2; plus strand). Cytogenetic location: 7q35.
Variant type: single nucleotide variant.
Coding change: c.402+13C>A on transcript NM_014141.6 (MANE Select); 13 bases into the intron after coding-DNA position 402, C replaced by A.
Molecular consequence: intron variant.
Genome position (GRCh38, 1-based): chr7:146,839,917, C>A. VCF-style: chr7-146839917-C-A. GRCh37 (hg19) VCF-style: chr7-146537009-C-A.
Identifiers: ClinVar variation 377702 (VCV000377702.11), dbSNP rs532060379, ClinGen allele CA4545760.